The following is an entry in ClinVar:

ClinVar aggregate classification (germline): Benign (0 of 4 stars; one submission).

Conditions:
PDZD2-related disorder. Also called: PDZD2-related condition.

Allele frequency attached by ClinVar (database versions not stated): 1000 Genomes Project 0.00699; 1000 Genomes Project 30x 0.00718; TOPMed 0.01910; ExAC 0.02042; gnomAD 0.02148; ESP Exome Variant Server 0.02384; gnomAD exomes 0.02919.
gnomAD v4.1: 45,537 of 1,614,124 alleles (2.8%); highest among the groups gnomAD compares: Non-Finnish European, 3.4%; 781 homozygotes.

Submission:

PreventionGenetics, part of Exact Sciences
Classification: Benign for PDZD2-related condition. Last evaluated: 2020-02-24. Review status: no assertion criteria provided. Collection method: clinical testing. Allele origin: germline.
Comment: This variant is classified as benign based on ACMG/AMP sequence variant interpretation guidelines (Richards et al. 2015 PMID: 25741868, with internal and published modifications).

NM_178140.4(PDZD2):c.167C>T (p.Thr56Met)

Gene: PDZD2 (PDZ domain containing 2; plus strand). Cytogenetic location: 5p13.3.
Variant type: single nucleotide variant.
Coding change: c.167C>T on transcript NM_178140.4 (MANE Select); coding-DNA position 167, C replaced by T.
Protein change: p.Thr56Met; replaces threonine 56 with methionine.
Molecular consequence: missense variant.
Genome position (GRCh38, 1-based): chr5:31,799,415, C>T. VCF-style: chr5-31799415-C-T. GRCh37 (hg19) VCF-style: chr5-31799522-C-T.
Other names: short protein forms T56M.
Identifiers: ClinVar variation 3037252 (VCV003037252.2), dbSNP rs145138976, ClinGen allele CA3218529.